The following is an entry in ClinVar:

ClinVar aggregate classification (germline): Uncertain significance. Review status: criteria provided, multiple submitters, no conflicts (2 of 4 stars). 2 submissions from 2 submitters: Uncertain significance (2). Last evaluated 2024-12-03.

Conditions:
Inborn genetic diseases. Identifiers: MedGen C0950123, MeSH D030342.

Allele frequency attached by ClinVar (database versions not stated): ExAC 0.00004; gnomAD exomes 0.00005 and 0.00006; TOPMed 0.00009; gnomAD 0.00011 and 0.00013; ESP Exome Variant Server 0.00015; 1000 Genomes Project 0.00020; 1000 Genomes Project 30x 0.00047.
gnomAD v4.1: 88 of 1,613,770 alleles (0.0055%); highest among the groups gnomAD compares: African/African-American, 0.02%; 1 homozygote.

Submissions (2):

Ambry Genetics
Classification: Uncertain significance for Inborn genetic diseases. Last evaluated: 2024-12-03. Review status: criteria provided, single submitter. Criteria: Ambry Variant Classification Scheme 2023. Collection method: clinical testing. Allele origin: germline.

Labcorp Genetics (formerly Invitae), Labcorp
Classification: Uncertain significance. Last evaluated: 2022-06-13. Review status: criteria provided, single submitter. Criteria: Invitae Variant Classification Sherloc (09022015). Collection method: clinical testing. Allele origin: germline.
Comment: This sequence change replaces arginine, which is basic and polar, with glutamine, which is neutral and polar, at codon 162 of the CCBE1 protein (p.Arg162Gln). This variant is present in population databases (rs138986040, gnomAD 0.02%). This variant has not been reported in the literature in individuals affected with CCBE1-related conditions. Algorithms developed to predict the effect of missense changes on protein structure and function output the following: SIFT: "Tolerated"; PolyPhen-2: "Benign"; Align-GVGD: "Class C0". The glutamine amino acid residue is found in multiple mammalian species, which suggests that this missense change does not adversely affect protein function. In summary, the available evidence is currently insufficient to determine the role of this variant in disease. Therefore, it has been classified as a Variant of Uncertain Significance.

NM_133459.4(CCBE1):c.485G>A (p.Arg162Gln)

Gene: CCBE1 (collagen and calcium binding EGF domains 1; minus strand). Cytogenetic location: 18q21.32.
Variant type: single nucleotide variant.
Coding change: c.485G>A on transcript NM_133459.4 (MANE Select); coding-DNA position 485, G replaced by A.
Protein change: p.Arg162Gln; replaces arginine 162 with glutamine.
Molecular consequence: missense variant.
Genome position (GRCh38, 1-based): chr18:59,466,807, C>T on the plus strand (G>A on the coding strand, the complement: CCBE1 is on the minus strand). VCF-style: chr18-59466807-C-T. GRCh37 (hg19) VCF-style: chr18-57134039-C-T.
Other names: c.485G>A (NM_133459.3); short protein forms R162Q.
Identifiers: ClinVar variation 1409177 (VCV001409177.4), dbSNP rs138986040, ClinGen allele CA8980477.